The following is an entry in ClinVar:

ClinVar aggregate classification (germline): Uncertain significance (1 of 4 stars; one submission).

Allele frequency attached by ClinVar (database versions not stated): gnomAD exomes below 0.00001; ExAC 0.00001.
gnomAD v4.1: 2 of 1,612,720 alleles (0.00012%); highest among the groups gnomAD compares: Admixed American, 0.0033%; no homozygotes.

Submission:

Labcorp Genetics (formerly Invitae), Labcorp
Classification: Uncertain significance. Last evaluated: 2022-08-02. Review status: criteria provided, single submitter. Criteria: Invitae Variant Classification Sherloc (09022015). Collection method: clinical testing. Allele origin: germline.
Comment: This sequence change replaces isoleucine, which is neutral and non-polar, with leucine, which is neutral and non-polar, at codon 198 of the SLC25A42 protein (p.Ile198Leu). This variant is present in population databases (rs761173709, gnomAD 0.006%). This variant has not been reported in the literature in individuals affected with SLC25A42-related conditions. Algorithms developed to predict the effect of missense changes on protein structure and function are either unavailable or do not agree on the potential impact of this missense change (SIFT: "Deleterious"; PolyPhen-2: "Benign"; Align-GVGD: "Class C0"). In summary, the available evidence is currently insufficient to determine the role of this variant in disease. Therefore, it has been classified as a Variant of Uncertain Significance.

NM_178526.5(SLC25A42):c.592A>C (p.Ile198Leu)

Gene: SLC25A42 (solute carrier family 25 member 42; plus strand). Cytogenetic location: 19p13.11.
Variant type: single nucleotide variant.
Coding change: c.592A>C on transcript NM_178526.5 (MANE Select); coding-DNA position 592, A replaced by C.
Protein change: p.Ile198Leu; replaces isoleucine 198 with leucine.
Molecular consequence: missense variant.
Genome position (GRCh38, 1-based): chr19:19,107,988, A>C. VCF-style: chr19-19107988-A-C. GRCh37 (hg19) VCF-style: chr19-19218797-A-C.
Other names: c.592A>C, p.Ile198Leu (NM_001321544.2); short protein forms I198L.
Identifiers: ClinVar variation 1927405 (VCV001927405.2), dbSNP rs761173709, ClinGen allele CA9321539.